The following is an entry in ClinVar:

ClinVar aggregate classification (germline): Uncertain significance (1 of 4 stars; one submission).

Submission:

GeneDx
Classification: Uncertain significance. Last evaluated: 2025-06-03. Review status: criteria provided, single submitter. Criteria: GeneDx Variant Classification Process June 2021. Collection method: clinical testing. Allele origin: germline. Affected: yes.
Comment: Not observed at significant frequency in large population cohorts (gnomAD); In silico analysis suggests that this missense variant does not alter protein structure/function; Has not been previously published as pathogenic or benign to our knowledge

NM_004525.3(LRP2):c.377G>A (p.Arg126Lys)

Gene: LRP2 (LDL receptor related protein 2; minus strand). Cytogenetic location: 2q31.1.
Variant type: single nucleotide variant.
Coding change: c.377G>A on transcript NM_004525.3 (MANE Select); coding-DNA position 377, G replaced by A.
Protein change: p.Arg126Lys; replaces arginine 126 with lysine.
Molecular consequence: missense variant.
Genome position (GRCh38, 1-based): chr2:169,307,331, C>T on the plus strand (G>A on the coding strand, the complement: LRP2 is on the minus strand). VCF-style: chr2-169307331-C-T. GRCh37 (hg19) VCF-style: chr2-170163841-C-T.
Other names: short protein forms R126K.
Identifiers: ClinVar variation 4536312 (VCV004536312.1).